The following is an entry in ClinVar:

ClinVar aggregate classification (germline): Uncertain significance (1 of 4 stars; one submission).

gnomAD v4.1: 2 of 1,613,984 alleles (0.00012%); highest among the groups gnomAD compares: South Asian, 0.0011%; no homozygotes.

Submission:

Labcorp Genetics (formerly Invitae), Labcorp
Classification: Uncertain significance. Last evaluated: 2024-01-31. Review status: criteria provided, single submitter. Criteria: Invitae Variant Classification Sherloc (09022015). Collection method: clinical testing. Allele origin: germline.
Comment: This sequence change replaces glycine, which is neutral and non-polar, with arginine, which is basic and polar, at codon 749 of the LRP5 protein (p.Gly749Arg). The frequency data for this variant in the population databases is considered unreliable, as metrics indicate poor data quality at this position in the gnomAD database. This variant has not been reported in the literature in individuals affected with LRP5-related conditions. Advanced modeling of protein sequence and biophysical properties (such as structural, functional, and spatial information, amino acid conservation, physicochemical variation, residue mobility, and thermodynamic stability) performed at Invitae indicates that this missense variant is expected to disrupt LRP5 protein function with a positive predictive value of 95%. In summary, the available evidence is currently insufficient to determine the role of this variant in disease. Therefore, it has been classified as a Variant of Uncertain Significance.

NM_002335.4(LRP5):c.2245G>A (p.Gly749Arg)

Gene: LRP5 (LDL receptor related protein 5; plus strand). Cytogenetic location: 11q13.2.
Variant type: single nucleotide variant.
Coding change: c.2245G>A on transcript NM_002335.4 (MANE Select); coding-DNA position 2245, G replaced by A.
Protein change: p.Gly749Arg; replaces glycine 749 with arginine.
Molecular consequence: missense variant.
Genome position (GRCh38, 1-based): chr11:68,410,067, G>A. VCF-style: chr11-68410067-G-A. GRCh37 (hg19) VCF-style: chr11-68177535-G-A.
Other names: c.502G>A, p.Gly168Arg (NM_001291902.2); short protein forms G168R, G749R.
Identifiers: ClinVar variation 3717948 (VCV003717948.2).